The following is an entry in ClinVar:

NM_018418.5(SPATA7):c.75C>G (p.His25Gln)

Gene: SPATA7 (spermatogenesis associated 7; plus strand). Cytogenetic location: 14q31.3.
Variant type: single nucleotide variant.
Coding change: c.75C>G on transcript NM_018418.5 (MANE Select); coding-DNA position 75, C replaced by G.
Protein change: p.His25Gln; replaces histidine 25 with glutamine.
Molecular consequence: missense variant.
Genome position (GRCh38, 1-based): chr14:88,391,436, C>G. VCF-style: chr14-88391436-C-G. GRCh37 (hg19) VCF-style: chr14-88857780-C-G.
Other names: c.75C>G, p.His25Gln (NM_001040428.4); short protein forms H25Q.
Identifiers: ClinVar variation 959162 (VCV000959162.8), dbSNP rs765968462, ClinGen allele CA7298361.

ClinVar aggregate classification (germline): Uncertain significance. Review status: criteria provided, multiple submitters, no conflicts (2 of 4 stars). 4 submissions from 4 submitters: Uncertain significance (4). Last evaluated 2024-08-20.

Conditions:
Inborn genetic diseases. Identifiers: MedGen C0950123, MeSH D030342.
Leber congenital amaurosis 3 (LCA3). Also called: SPATA7-Related Retinitis Pigmentosa. Identifiers: MedGen C1858677, MONDO:0011415, OMIM 604232.

Allele frequency attached by ClinVar (database versions not stated): TOPMed 0.00005.
gnomAD v4.1: 39 of 1,613,560 alleles (0.0024%); highest among the groups gnomAD compares: Non-Finnish European, 0.0032%; no homozygotes.

Submissions (4):

Blueprint Genetics
Classification: Uncertain significance. Last evaluated: 2024-08-20. Review status: criteria provided, single submitter. Criteria: ACMG Guidelines, 2015. Collection method: clinical testing. Allele origin: germline.

Ambry Genetics
Classification: Uncertain significance for Inborn genetic diseases. Last evaluated: 2024-08-15. Review status: criteria provided, single submitter. Criteria: Ambry Variant Classification Scheme 2023. Collection method: clinical testing. Allele origin: germline.

Labcorp Genetics (formerly Invitae), Labcorp
Classification: Uncertain significance for Leber congenital amaurosis 3. Last evaluated: 2022-11-22. Review status: criteria provided, single submitter. Criteria: Invitae Variant Classification Sherloc (09022015). Collection method: clinical testing. Allele origin: germline.
Comment: This variant has not been reported in the literature in individuals affected with SPATA7-related conditions. In summary, the available evidence is currently insufficient to determine the role of this variant in disease. Therefore, it has been classified as a Variant of Uncertain Significance. Advanced modeling of protein sequence and biophysical properties (such as structural, functional, and spatial information, amino acid conservation, physicochemical variation, residue mobility, and thermodynamic stability) performed at Invitae indicates that this missense variant is expected to disrupt SPATA7 protein function. ClinVar contains an entry for this variant (Variation ID: 959162). This variant is present in population databases (rs765968462, gnomAD 0.004%). This sequence change replaces histidine, which is basic and polar, with glutamine, which is neutral and polar, at codon 25 of the SPATA7 protein (p.His25Gln).

Fulgent Genetics
Classification: Uncertain significance for Leber congenital amaurosis 3. Last evaluated: 2021-10-13. Review status: criteria provided, single submitter. Criteria: ACMG Guidelines, 2015. Collection method: clinical testing. Allele origin: unknown.